The following is an entry in ClinVar:

NM_000038.6(APC):c.6022G>A (p.Ala2008Thr)

Gene: APC (APC regulator of Wnt signaling pathway; plus strand). Cytogenetic location: 5q22.2.
Variant type: single nucleotide variant.
Coding change: c.6022G>A on transcript NM_000038.6 (MANE Select); coding-DNA position 6022, G replaced by A.
Protein change: p.Ala2008Thr; replaces alanine 2008 with threonine.
Molecular consequence: missense variant.
Genome position (GRCh38, 1-based): chr5:112,841,616, G>A. VCF-style: chr5-112841616-G-A. GRCh37 (hg19) VCF-style: chr5-112177313-G-A.
Other names: c.6022G>A, p.Ala2008Thr (NM_001127510.3, NM_001354895.2); c.5968G>A, p.Ala1990Thr (NM_001127511.3); c.6076G>A, p.Ala2026Thr (NM_001354896.2); c.6052G>A, p.Ala2018Thr (NM_001354897.2); c.5947G>A, p.Ala1983Thr (NM_001354898.2); c.5938G>A, p.Ala1980Thr (NM_001354899.2); c.5899G>A, p.Ala1967Thr (NM_001354900.2); c.5845G>A, p.Ala1949Thr (NM_001354901.2); and 5 more; short protein forms A1990T, A2008T, A1725T, A1848T, A1949T, A1967T, A2018T, A2026T.
Identifiers: ClinVar variation 470031 (VCV000470031.29), dbSNP rs1343830702, ClinGen allele CA16034508.

ClinVar aggregate classification (germline): Uncertain significance. Review status: criteria provided, multiple submitters, no conflicts (2 of 4 stars). 9 submissions from 9 submitters: Uncertain significance (8). 1 of the submissions does not count toward it. Last evaluated 2025-12-24.

Conditions:
Familial adenomatous polyposis 1 (FAP1). Also called: POLYPOSIS, ADENOMATOUS INTESTINAL; FAMILIAL ADENOMATOUS POLYPOSIS 1, ATTENUATED. Identifiers: MedGen C2713442, MONDO:0021056, OMIM 175100. Disease mechanism: loss of function.
Classic or attenuated familial adenomatous polyposis. Identifiers: MedGen CN372698, MONDO:0021057.
Hereditary cancer-predisposing syndrome. Also called: Hereditary neoplastic syndrome; Neoplastic Syndromes, Hereditary; Tumor predisposition; Hereditary Cancer Syndrome. Identifiers: Orphanet 140162, MedGen C0027672, MeSH D009386, MONDO:0015356.

Allele frequency attached by ClinVar (database versions not stated): gnomAD 0.00001; gnomAD exomes 0.00001.
gnomAD v4.1: 6 of 1,613,198 alleles (0.00037%); highest among the groups gnomAD compares: Non-Finnish European, 0.00051%; no homozygotes.

Submissions (9):

Labcorp Genetics (formerly Invitae), Labcorp
Classification: Uncertain significance for Familial adenomatous polyposis 1. Last evaluated: 2025-12-24. Review status: criteria provided, single submitter. Criteria: Invitae Variant Classification Sherloc (09022015). Collection method: clinical testing. Allele origin: germline.
Comment: This sequence change replaces alanine, which is neutral and non-polar, with threonine, which is neutral and polar, at codon 2008 of the APC protein (p.Ala2008Thr). This variant is not present in population databases (gnomAD no frequency). This variant has not been reported in the literature in individuals affected with APC-related conditions. ClinVar contains an entry for this variant (Variation ID: 470031). Invitae Evidence Modeling of protein sequence and biophysical properties (such as structural, functional, and spatial information, amino acid conservation, physicochemical variation, residue mobility, and thermodynamic stability) indicates that this missense variant is not expected to disrupt APC protein function with a negative predictive value of 95%. In summary, the available evidence is currently insufficient to determine the role of this variant in disease. Therefore, it has been classified as a Variant of Uncertain Significance.

Ambry Genetics
Classification: Uncertain significance for Hereditary cancer-predisposing syndrome. Last evaluated: 2025-07-31. Review status: criteria provided, single submitter. Criteria: Ambry Variant Classification Scheme 2023. Collection method: clinical testing. Allele origin: germline.
Comment: The p.A2008T variant (also known as c.6022G>A), located in coding exon 15 of the APC gene, results from a G to A substitution at nucleotide position 6022. The alanine at codon 2008 is replaced by threonine, an amino acid with similar properties. This amino acid position is highly conserved in available vertebrate species. In addition, in silico predictors for this gene do not accurately predict pathogenicity. Missense alterations in APC are not a common cause of disease (Spier I et al. Genet Med. 2024 Feb;26(2):100992). Based on the available evidence, the clinical significance of this variant remains unclear.

Quest Diagnostics Nichols Institute San Juan Capistrano
Classification: Uncertain significance. Last evaluated: 2025-07-22. Review status: criteria provided, single submitter. Criteria: Quest Diagnostics criteria. Collection method: clinical testing. Allele origin: unknown.
Comment: The APC c.6022G>A (p.Ala2008Thr) variant has been reported in the published literature in a child with leukemia (PMID: 26580448 (2015)). This variant has not been reported in large, multi-ethnic general populations (Genome Aggregation Database). Analysis of this variant using bioinformatics tools for the prediction of the effect of amino acid changes on protein structure and function yielded predictions that this variant is damaging. Based on the available information, we are unable to determine the clinical significance of this variant.

GeneDx
Classification: Uncertain significance. Last evaluated: 2025-05-05. Review status: criteria provided, single submitter. Criteria: GeneDx Variant Classification Process June 2021. Collection method: clinical testing. Allele origin: germline. Affected: yes.
Comment: Not observed at significant frequency in large population cohorts (gnomAD); In silico analysis supports that this missense variant does not alter protein structure/function; Observed in a pediatric patient with leukemia (PMID: 26580448); This variant is associated with the following publications: (PMID: 18199528, 26580448)

All of Us Research Program, National Institutes of Health
Classification: Uncertain significance for Classic or attenuated familial adenomatous polyposis. Last evaluated: 2024-07-29. Review status: criteria provided, single submitter. Criteria: ACMG Guidelines, 2015. Collection method: clinical testing. Allele origin: germline. Inheritance: Autosomal dominant inheritance. Observed: 2 variant alleles, 2 heterozygotes.
Comment: This missense variant replaces alanine with threonine at codon 2008 of the APC protein. Computational prediction suggests that this variant may not impact protein structure and function (internally defined REVEL score threshold <= 0.5, PMID: 27666373). Splice site prediction tools suggest that this variant may not impact RNA splicing. To our knowledge, functional studies have not been performed for this variant. This variant has not been reported in individuals affected with hereditary cancer in the literature. This variant has not been identified in the general population by the Genome Aggregation Database (gnomAD). The available evidence is insufficient to determine the role of this variant in disease conclusively. Therefore, this variant is classified as a Variant of Uncertain Significance.

This study involves interpretation of variants in research participants for the purpose of population health screening. Participant phenotype was not available at the time of variant classification. Additional details can be found in publication PMID: 35346344, PMCID: PMC8962531

Color Diagnostics, LLC DBA Color Health
Classification: Uncertain significance for Hereditary cancer-predisposing syndrome. Last evaluated: 2023-09-12. Review status: criteria provided, single submitter. Criteria: ACMG Guidelines, 2015. Collection method: clinical testing. Allele origin: germline.
Comment: This missense variant replaces alanine with threonine at codon 2008 of the APC protein. Computational prediction suggests that this variant may not impact protein structure and function (internally defined REVEL score threshold <= 0.5, PMID: 27666373). To our knowledge, functional studies have not been reported for this variant. This variant has not been reported in individuals affected with APC-related disorders in the literature. This variant has not been identified in the general population by the Genome Aggregation Database (gnomAD). The available evidence is insufficient to determine the role of this variant in disease conclusively. Therefore, this variant is classified as a Variant of Uncertain Significance.

Baylor Genetics
Classification: Uncertain significance for Familial adenomatous polyposis 1. Last evaluated: 2023-07-02. Review status: criteria provided, single submitter. Criteria: ACMG Guidelines, 2015. Collection method: clinical testing. Allele origin: unknown.

Myriad Genetics, Inc.
Classification: Uncertain significance for Familial adenomatous polyposis 1. Last evaluated: 2023-02-13. Review status: criteria provided, single submitter. Criteria: Myriad Autosomal Dominant, Autosomal Recessive and X-Linked Classification Criteria (2023). Collection method: clinical testing. Allele origin: unknown.
Comment: This variant is classified as a variant of uncertain significance as there is insufficient evidence to determine its impact on protein function and/or cancer risk.

Counsyl
Classification: Uncertain significance for Familial adenomatous polyposis 1. Last evaluated: 2018-05-01. Review status: no assertion criteria provided. Collection method: clinical testing. Allele origin: unknown. Not counted in ClinVar's aggregate classification.

Literature cited by the submitters: PubMed 26580448 (cited by Ambry Genetics and Quest Diagnostics Nichols Institute San Juan Capistrano).